The following is an entry in ClinVar:

NM_001849.4(COL6A2):c.2908G>A (p.Val970Ile)

Gene: COL6A2 (collagen type VI alpha 2 chain; plus strand). Cytogenetic location: 21q22.3.
Variant type: single nucleotide variant.
Coding change: c.2908G>A on transcript NM_001849.4 (MANE Select); coding-DNA position 2908, G replaced by A.
Protein change: p.Val970Ile; replaces valine 970 with isoleucine.
Molecular consequence: missense variant.
Genome position (GRCh38, 1-based): chr21:46,132,400, G>A. VCF-style: chr21-46132400-G-A. GRCh37 (hg19) VCF-style: chr21-47552314-G-A.
Other names: short protein forms V970I.
Identifiers: ClinVar variation 2804652 (VCV002804652.3), dbSNP rs755781037, ClinGen allele CA10073090.
Genomic context (GRCh38, chr21:46,132,400, plus strand): 5'-GGCGTCACGGGCAACGACAGTCTGCACGAGTCGGCGCACTCCATGCGCAAGCAGAACGTG[G>A]TACCCACCGTGCTGGCCTTGGGCAGCGACGTGGACATGGACGTGCTCACCACGCTCAGCC-3'
Protein context (NP_001840.3, residues 960-980): SAHSMRKQNV[Val970Ile]PTVLALGSDV

ClinVar aggregate classification (germline): Uncertain significance (1 of 4 stars; one submission).

Conditions:
Bethlem myopathy 1A. Also called: Bethlem myopathy 1; MYOPATHY, BENIGN CONGENITAL, WITH CONTRACTURES; Bethlem Muscular Dystrophy. Identifiers: Orphanet 610, MedGen CN029274, MONDO:0024530, OMIM 158810.

gnomAD v4.1: 2 of 1,609,164 alleles (0.00012%); highest among the groups gnomAD compares: South Asian, 0.0011%; no homozygotes.

Submission:

Labcorp Genetics (formerly Invitae), Labcorp
Classification: Uncertain significance for Bethlem myopathy 1A. Last evaluated: 2025-02-09. Review status: criteria provided, single submitter. Criteria: Invitae Variant Classification Sherloc (09022015). Collection method: clinical testing. Allele origin: germline.
Comment: This sequence change replaces valine, which is neutral and non-polar, with isoleucine, which is neutral and non-polar, at codon 970 of the COL6A2 protein (p.Val970Ile). The frequency data for this variant in the population databases is considered unreliable, as metrics indicate poor data quality at this position in the gnomAD database. This variant has not been reported in the literature in individuals affected with COL6A2-related conditions. ClinVar contains an entry for this variant (Variation ID: 2804652). Invitae Evidence Modeling of protein sequence and biophysical properties (such as structural, functional, and spatial information, amino acid conservation, physicochemical variation, residue mobility, and thermodynamic stability) indicates that this missense variant is not expected to disrupt COL6A2 protein function with a negative predictive value of 80%. In summary, the available evidence is currently insufficient to determine the role of this variant in disease. Therefore, it has been classified as a Variant of Uncertain Significance.